The following is an entry in ClinVar:

NM_182961.4(SYNE1):c.2022G>T (p.Met674Ile)

Gene: SYNE1 (spectrin repeat containing nuclear envelope protein 1; minus strand). Cytogenetic location: 6q25.2.
Variant type: single nucleotide variant.
Coding change: c.2022G>T on transcript NM_182961.4 (MANE Select); coding-DNA position 2022, G replaced by T.
Protein change: p.Met674Ile; replaces methionine 674 with isoleucine.
Molecular consequence: missense variant.
Genome position (GRCh38, 1-based): chr6:152,463,428, C>A on the plus strand (G>T on the coding strand, the complement: SYNE1 is on the minus strand). VCF-style: chr6-152463428-C-A. GRCh37 (hg19) VCF-style: chr6-152784563-C-A.
Other names: c.2043G>T, p.Met681Ile (NM_033071.5); short protein forms M674I, M681I.
Identifiers: ClinVar variation 2657037 (VCV002657037.24), dbSNP rs2503405145, ClinGen allele CA366124304.

ClinVar aggregate classification (germline): Uncertain significance (1 of 4 stars; one submission).

Submission:

CeGaT Center for Human Genetics Tuebingen
Classification: Uncertain significance. Last evaluated: 2023-07-01. Review status: criteria provided, single submitter. Criteria: CeGaT Center For Human Genetics Tuebingen Variant Classification Criteria Version 2. Collection method: clinical testing. Allele origin: germline. Affected: yes. Observed: 1 variant allele.
Comment: SYNE1: PM2, BP4